The following is an entry in ClinVar:

ClinVar aggregate classification (germline): Pathogenic. Review status: criteria provided, multiple submitters, no conflicts (2 of 4 stars). 3 submissions from 3 submitters: Pathogenic (3). Last evaluated 2024-12-18.

Conditions:
Inborn genetic diseases. Identifiers: MedGen C0950123, MeSH D030342.
KBG syndrome (KBGS). Also called: ANKRD11-Related KBG Syndrome. Identifiers: Orphanet 2332, MedGen C0220687, MONDO:0007846, OMIM 148050.

Submissions (3):

Genomic Medicine Center of Excellence, King Faisal Specialist Hospital and Research Centre
Classification: Pathogenic for KBG syndrome. Last evaluated: 2024-12-18. Review status: criteria provided, single submitter. Criteria: ACMG Guidelines, 2015. Collection method: clinical testing. Allele origin: germline.

GeneDx
Classification: Pathogenic. Last evaluated: 2016-05-03. Review status: criteria provided, single submitter. Criteria: GeneDx Variant Classification (06012015). Collection method: clinical testing. Allele origin: germline. Affected: yes.
Comment: TThe c.7569+1G>A pathogenic variant in the ANKRD11 gene has not been published previously as a pathogenic variant nor as a benign variant, to our knowledge. However, this variant has been reported as pathogenic in ClinVar by a different clinical laboratory, although additional evidence is not available (ClinVar SCV000244153.3; Landrum et al., 2015). This splice site variant destroys the canonical splice donor site in intron 10. It is predicted to cause abnormal gene splicing resulting in an in-frame protein product with an abnormal message. The c.7569+1G>A variant was not observed in approximately 6500 individuals of European and African American ancestry in the NHLBI Exome Sequencing Project, indicating it is not a common benign variant in these populations. We interpret c.7569+1G>A as a pathogenic variant

Ambry Genetics
Classification: Pathogenic for Inborn genetic diseases. Review status: criteria provided, single submitter. Criteria: Ambry exome assertion method (8-5-2015). Collection method: clinical testing. Allele origin: germline. Inheritance: Autosomal dominant inheritance. Affected: yes. Observed: 1 heterozygote. Segregation with disease observed.
Comment: POSITIVE: Relevant Alteration(s) Detected

Literature cited by the submitters: PubMed 25356970 (cited by Ambry Genetics).

NM_013275.6(ANKRD11):c.7569+1G>A

Gene: ANKRD11 (ankyrin repeat domain 11; minus strand). Cytogenetic location: 16q24.3.
Variant type: single nucleotide variant.
Coding change: c.7569+1G>A on transcript NM_013275.6 (MANE Select); the canonical splice donor site of the intron after coding-DNA position 7569, G replaced by A.
Molecular consequence: splice donor variant.
Genome position (GRCh38, 1-based): chr16:89,275,092, C>T on the plus strand (G>A on the coding strand, the complement: ANKRD11 is on the minus strand). VCF-style: chr16-89275092-C-T. GRCh37 (hg19) VCF-style: chr16-89341500-C-T.
Other names: c.7569+1G>A (NM_001256183.2, NM_001256182.2).
Identifiers: ClinVar variation 208695 (VCV000208695.5), dbSNP rs797044890, ClinGen allele CA204700.